The following is an entry in ClinVar:

NM_001792.5(CDH2):c.1213G>A (p.Val405Met)

Gene: CDH2 (cadherin 2; minus strand). Cytogenetic location: 18q12.1.
Variant type: single nucleotide variant.
Coding change: c.1213G>A on transcript NM_001792.5 (MANE Select); coding-DNA position 1213, G replaced by A.
Protein change: p.Val405Met; replaces valine 405 with methionine.
Molecular consequence: missense variant.
Genome position (GRCh38, 1-based): chr18:27,992,786, C>T on the plus strand (G>A on the coding strand, the complement: CDH2 is on the minus strand). VCF-style: chr18-27992786-C-T. GRCh37 (hg19) VCF-style: chr18-25572750-C-T.
Other names: c.1120G>A, p.Val374Met (NM_001308176.2); short protein forms V374M, V405M.
Identifiers: ClinVar variation 2446923 (VCV002446923.3), dbSNP rs771423706, ClinGen allele CA8923483.

ClinVar aggregate classification (germline): Uncertain significance. Review status: criteria provided, multiple submitters, no conflicts (2 of 4 stars). 2 submissions from 2 submitters: Uncertain significance (2). Last evaluated 2025-11-12.

Conditions:
Inborn genetic diseases. Identifiers: MedGen C0950123, MeSH D030342.

Allele frequency attached by ClinVar (database versions not stated): ExAC 0.00001; gnomAD exomes below 0.00001; TOPMed 0.00001.
gnomAD v4.1: 1 of 1,613,964 alleles (0.000062%); highest among the groups gnomAD compares: African/African-American, 0.0013%; no homozygotes.

Submissions (2):

Labcorp Genetics (formerly Invitae), Labcorp
Classification: Uncertain significance. Last evaluated: 2025-11-12. Review status: criteria provided, single submitter. Criteria: Invitae Variant Classification Sherloc (09022015). Collection method: clinical testing. Allele origin: germline.
Comment: This sequence change replaces valine, which is neutral and non-polar, with methionine, which is neutral and non-polar, at codon 405 of the CDH2 protein (p.Val405Met). This variant is present in population databases (rs771423706, gnomAD 0.007%). This variant has not been reported in the literature in individuals affected with CDH2-related conditions. ClinVar contains an entry for this variant (Variation ID: 2446923). An algorithm developed to predict the effect of missense changes on protein structure and function (PolyPhen-2) suggests that this variant is likely to be disruptive. In summary, the available evidence is currently insufficient to determine the role of this variant in disease. Therefore, it has been classified as a Variant of Uncertain Significance.

Ambry Genetics
Classification: Uncertain significance for Inborn genetic diseases. Last evaluated: 2023-02-04. Review status: criteria provided, single submitter. Criteria: Ambry Variant Classification Scheme 2023. Collection method: clinical testing. Allele origin: germline.
Comment: The p.V405M variant (also known as c.1213G>A), located in coding exon 9 of the CDH2 gene, results from a G to A substitution at nucleotide position 1213. The valine at codon 405 is replaced by methionine, an amino acid with highly similar properties. This amino acid position is conserved. In addition, the in silico prediction for this alteration is inconclusive. Since supporting evidence is limited at this time, the clinical significance of this alteration remains unclear.